The following is an entry in ClinVar:

ClinVar aggregate classification (germline): Conflicting classifications of pathogenicity. Review status: criteria provided, conflicting classifications (1 of 4 stars). 5 submissions from 5 submitters: Likely pathogenic (4); Uncertain significance (1). Last evaluated 2025-12-30.

Conditions:
Stargardt disease (FFM). Also called: Stargardt's disease; Fundus flavimaculatus. Identifiers: Orphanet 827, MedGen C0271093, MONDO:0019353.
Severe early-childhood-onset retinal dystrophy (STGD1). Also called: STGD; Stargardt macular dystrophy; Juvenile onset macular degeneration; Stargardt disease 1; MACULAR DYSTROPHY WITH FLECKS, TYPE 1. Identifiers: Orphanet 364055, Orphanet 827, MedGen C1855465, MeSH D000080362, MONDO:0009549, OMIM 248200.
Retinal dystrophy. Also called: Inherited retinal dystrophy. Identifiers: Orphanet 71862, MedGen C0854723, MeSH D058499, MONDO:0019118, HP:0000556.

Allele frequency attached by ClinVar (database versions not stated): gnomAD exomes below 0.00001; TOPMed 0.00001; ESP Exome Variant Server 0.00008.
gnomAD v4.1: 4 of 1,614,124 alleles (0.00025%); highest among the groups gnomAD compares: Middle Eastern, 0.016%; no homozygotes.

Submissions (5):

Labcorp Genetics (formerly Invitae), Labcorp
Classification: Likely pathogenic. Last evaluated: 2025-12-30. Review status: criteria provided, single submitter. Criteria: Invitae Variant Classification Sherloc (09022015). Collection method: clinical testing. Allele origin: germline.
Comment: This sequence change replaces tyrosine, which is neutral and polar, with cysteine, which is neutral and slightly polar, at codon 850 of the ABCA4 protein (p.Tyr850Cys). This variant is not present in population databases (gnomAD no frequency). This missense change has been observed in individual(s) with Stargardt disease (PMID: 23096905, 29178665, 29555955, 32307445, 33909047, 35260635, 36460718). ClinVar contains an entry for this variant (Variation ID: 1358935). Invitae Evidence Modeling of protein sequence and biophysical properties (such as structural, functional, and spatial information, amino acid conservation, physicochemical variation, residue mobility, and thermodynamic stability) indicates that this missense variant is expected to disrupt ABCA4 protein function with a positive predictive value of 95%. In summary, the currently available evidence indicates that the variant is pathogenic, but additional data are needed to prove that conclusively. Therefore, this variant has been classified as Likely Pathogenic.

Women's Health and Genetics/Laboratory Corporation of America, LabCorp
Classification: Likely pathogenic for Stargardt disease. Last evaluated: 2025-04-02. Review status: criteria provided, single submitter. Criteria: LabCorp Variant Classification Summary - May 2015. Collection method: clinical testing. Allele origin: germline.
Comment: Variant summary: ABCA4 c.2549A>G (p.Tyr850Cys) results in a non-conservative amino acid change in the encoded protein sequence. Five of five in-silico tools predict a damaging effect of the variant on protein function. The variant was absent in 251412 control chromosomes (gnomAD). c.2549A>G has been reported in the literature in multiple individuals affected with Stargardt Disease (e.g. Oldani_2012, Khan_2020, Cornelis_2022), although in some cases it was reported as part of a complex allele with a likely pathogenic variant c.5882G>A (p.Gly1961Glu) in cis (Lee_2021). These data indicate that the variant is very likely to be associated with disease. To our knowledge, no experimental evidence demonstrating an impact on protein function has been reported. The following publications have been ascertained in the context of this evaluation (PMID: 23096905, 32307445, 29178665, 29555955, 33909047, 35260635, 36460718, 35120629). ClinVar contains an entry for this variant (Variation ID: 1358935). Based on the evidence outlined above, the variant was classified as likely pathogenic.

Institute of Medical Genetics and Applied Genomics, University Hospital Tübingen
Classification: Likely pathogenic for Severe early-childhood-onset retinal dystrophy. Last evaluated: 2024-12-05. Review status: criteria provided, single submitter. Criteria: ACMG Guidelines, 2015. Collection method: clinical testing. Allele origin: germline. Inheritance: Autosomal recessive inheritance. Affected: yes.

Blueprint Genetics
Classification: Uncertain significance. Last evaluated: 2024-10-24. Review status: criteria provided, single submitter. Criteria: ACMG Guidelines, 2015. Collection method: clinical testing. Allele origin: germline.

Institute of Human Genetics, Univ. Regensburg, Univ. Regensburg
Classification: Likely pathogenic for Retinal dystrophy. Last evaluated: 2021-01-01. Review status: criteria provided, single submitter. Criteria: ACMG Guidelines, 2015. Collection method: clinical testing. Allele origin: germline. Affected: yes.

Literature cited by the submitters: PubMed 23096905 (cited by 3 submitters); PubMed 29178665 (cited by Labcorp Genetics (formerly Invitae), Labcorp and Women's Health and Genetics/Laboratory Corporation of America, LabCorp); PubMed 29555955 (cited by 3 submitters); PubMed 32307445 (cited by 3 submitters); PubMed 33909047 (cited by Labcorp Genetics (formerly Invitae), Labcorp and Women's Health and Genetics/Laboratory Corporation of America, LabCorp); PubMed 35260635 (cited by 3 submitters); PubMed 36460718 (cited by 3 submitters); PubMed 35120629 (cited by Women's Health and Genetics/Laboratory Corporation of America, LabCorp).

NM_000350.3(ABCA4):c.2549A>G (p.Tyr850Cys)

Gene: ABCA4 (ATP binding cassette subfamily A member 4; minus strand). Cytogenetic location: 1p22.1.
Variant type: single nucleotide variant.
Coding change: c.2549A>G on transcript NM_000350.3 (MANE Select); coding-DNA position 2549, A replaced by G.
Protein change: p.Tyr850Cys; replaces tyrosine 850 with cysteine.
Molecular consequence: missense variant.
Genome position (GRCh38, 1-based): chr1:94,055,149, T>C on the plus strand (A>G on the coding strand, the complement: ABCA4 is on the minus strand). VCF-style: chr1-94055149-T-C. GRCh37 (hg19) VCF-style: chr1-94520705-T-C.
Other names: c.2327A>G, p.Tyr776Cys (NM_001425324.1); short protein forms Y850C, Y776C.
Identifiers: ClinVar variation 1358935 (VCV001358935.11), dbSNP rs143797418, ClinGen allele CA26843273.